The following is an entry in ClinVar:

NM_000238.4(KCNH2):c.1379del (p.Asp460fs)

Gene: KCNH2 (potassium voltage-gated channel subfamily H member 2; minus strand). Cytogenetic location: 7q36.1.
Variant type: Deletion.
Coding change: c.1379del on transcript NM_000238.4 (MANE Select); coding-DNA position 1379, one base deleted (A; older notation c.1379delA).
Protein change: p.Asp460fs; shifts the reading frame from aspartic acid 460.
Molecular consequence: frameshift variant.
Genome position (GRCh38, 1-based): chr7:150,952,603, T deleted on the plus strand (A on the coding strand, the reverse complement: KCNH2 is on the minus strand). VCF-style (leftmost placement, unchanged base first): chr7-150952602-GT-G. GRCh37 (hg19) VCF-style: chr7-150649690-GT-G.
Other names: c.359del, p.Asp120fs (NM_001204798.2, NM_172057.3); c.1091delA, p.Asp364Alafs (NM_001406753.1, NM_001406756.1); c.1202delA, p.Asp401Alafs (NM_001406755.1); c.1079delA, p.Asp360Alafs (NM_001406757.1); c.1379delA, p.Asp460Alafs (NM_172056.3); short protein forms D120fs, D460fs.
Identifiers: ClinVar variation 652241 (VCV000652241.10), dbSNP rs1584856544, ClinGen allele CA915945577.

ClinVar aggregate classification (germline): Pathogenic. Review status: criteria provided, multiple submitters, no conflicts (2 of 4 stars). 2 submissions from 2 submitters: Pathogenic (2). Last evaluated 2024-11-06.

Conditions:
Long QT syndrome (LQTS). Identifiers: MedGen C0023976, MeSH D008133, MONDO:0002442. Disease mechanism: loss of function. Inheritance: Various modes of inheritance.
KCNH2-related disorder. Also called: KCNH2-related disorders; KCNH2-related condition.

Submissions (2):

Blueprint Genetics
Classification: Pathogenic for KCNH2-related disorders. Last evaluated: 2024-11-06. Review status: criteria provided, single submitter. Criteria: ACMG Guidelines, 2015. Collection method: clinical testing. Allele origin: germline. Affected: yes. Observed: 1 variant allele.

Labcorp Genetics (formerly Invitae), Labcorp
Classification: Pathogenic for Long QT syndrome. Last evaluated: 2018-11-06. Review status: criteria provided, single submitter. Criteria: Invitae Variant Classification Sherloc (09022015). Collection method: clinical testing. Allele origin: germline.
Comment: For these reasons, this variant has been classified as Pathogenic. Loss-of-function variants in KCNH2 are known to be pathogenic (PMID: 10973849, 19862833). This variant has been observed in an individual affected with long QT syndrome (PMID: 15176425). This variant is also known as 1382delA in the literature. This variant is not present in population databases (ExAC no frequency). This sequence change creates a premature translational stop signal (p.Asp460Alafs*61) in the KCNH2 gene. It is expected to result in an absent or disrupted protein product.

Literature cited by the submitters: PubMed 10973849 (cited by Labcorp Genetics (formerly Invitae), Labcorp); PubMed 19862833 (cited by Labcorp Genetics (formerly Invitae), Labcorp); PubMed 15176425 (cited by Labcorp Genetics (formerly Invitae), Labcorp).